The following is an entry in ClinVar:

ClinVar aggregate classification (germline): Uncertain significance (1 of 4 stars; one submission).

Allele frequency attached by ClinVar (database versions not stated): gnomAD exomes below 0.00001; gnomAD 0.00001; ESP Exome Variant Server 0.00008; ExAC 0.00014.
gnomAD v4.1: 8 of 1,539,598 alleles (0.00052%); highest among the groups gnomAD compares: African/African-American, 0.0055%; no homozygotes.

Submission:

Labcorp Genetics (formerly Invitae), Labcorp
Classification: Uncertain significance. Last evaluated: 2021-08-27. Review status: criteria provided, single submitter. Criteria: Invitae Variant Classification Sherloc (09022015). Collection method: clinical testing. Allele origin: germline.
Comment: This sequence change replaces proline with serine at codon 510 of the FCHO1 protein (p.Pro510Ser). The proline residue is weakly conserved and there is a moderate physicochemical difference between proline and serine. While this variant is present in population databases (rs369581648), the frequency information is unreliable, as metrics indicate poor data quality at this position in the ExAC database. This variant has not been reported in the literature in individuals affected with FCHO1-related conditions. Algorithms developed to predict the effect of missense changes on protein structure and function output the following: SIFT: "Tolerated"; PolyPhen-2: "Benign"; Align-GVGD: "Class C0". The serine amino acid residue is found in multiple mammalian species, which suggests that this missense change does not adversely affect protein function. In summary, the available evidence is currently insufficient to determine the role of this variant in disease. Therefore, it has been classified as a Variant of Uncertain Significance.

NM_015122.3(FCHO1):c.1528C>T (p.Pro510Ser)

Gene: FCHO1 (FCH and mu domain containing endocytic adaptor 1; plus strand). Cytogenetic location: 19p13.11.
Variant type: single nucleotide variant.
Coding change: c.1528C>T on transcript NM_015122.3 (MANE Select); coding-DNA position 1528, C replaced by T.
Protein change: p.Pro510Ser; replaces proline 510 with serine.
Molecular consequence: missense variant. On other transcripts: non-coding transcript variant (14), intron variant (11).
Genome position (GRCh38, 1-based): chr19:17,778,785, C>T. VCF-style: chr19-17778785-C-T. GRCh37 (hg19) VCF-style: chr19-17889594-C-T.
Other names: c.1378C>T, p.Pro460Ser (NM_001384386.1, NM_001161359.2, NM_001384384.1 and 1 more transcripts); c.1528C>T, p.Pro510Ser (NM_001384387.1, NM_001384391.1, NM_001161357.2 and 13 more transcripts); c.1489C>T, p.Pro497Ser (NM_001384388.1, NM_001384389.1, NM_001384405.1); c.1453C>T, p.Pro485Ser (NM_001384390.1); c.1411C>T, p.Pro471Ser (NM_001384392.1, NM_001384393.1, NM_001384394.1 and 1 more transcripts); c.1351+557C>T (NM_001384396.1, NM_001384404.1, NM_001384398.1 and 5 more transcripts); c.1201+557C>T (NM_001384406.1); c.1058-2446C>T (NM_001384407.1); and 1 more; short protein forms P460S, P485S, P497S, P471S, P510S.
Identifiers: ClinVar variation 1411903 (VCV001411903.5), dbSNP rs369581648, ClinGen allele CA9300538.